The following is an entry in ClinVar:

NM_001330078.2(NRXN1):c.186C>G (p.Ser62Arg)

Gene: NRXN1 (neurexin 1; minus strand). Cytogenetic location: 2p16.3.
Variant type: single nucleotide variant.
Coding change: c.186C>G on transcript NM_001330078.2 (MANE Select); coding-DNA position 186, C replaced by G.
Protein change: p.Ser62Arg; replaces serine 62 with arginine.
Molecular consequence: missense variant.
Genome position (GRCh38, 1-based): chr2:51,028,088, G>C on the plus strand (C>G on the coding strand, the complement: NRXN1 is on the minus strand). VCF-style: chr2-51028088-G-C. GRCh37 (hg19) VCF-style: chr2-51255226-G-C.
Other names: c.186C>G, p.Ser62Arg (NM_001135659.3, NM_001330077.2, NM_001330079.2 and 15 more transcripts); short protein forms S62R.
Identifiers: ClinVar variation 1519308 (VCV001519308.8), dbSNP rs1186547259, ClinGen allele CA346824507.

ClinVar aggregate classification (germline): Uncertain significance (1 of 4 stars; one submission).

Conditions:
Pitt-Hopkins-like syndrome 2 (PTHSL2). Identifiers: Orphanet 221150, Orphanet 600663, MedGen C3280479, MONDO:0013690, OMIM 614325.

Submission:

Labcorp Genetics (formerly Invitae), Labcorp
Classification: Uncertain significance for Pitt-Hopkins-like syndrome 2. Last evaluated: 2022-09-12. Review status: criteria provided, single submitter. Criteria: Invitae Variant Classification Sherloc (09022015). Collection method: clinical testing. Allele origin: germline.
Comment: Algorithms developed to predict the effect of missense changes on protein structure and function (SIFT, PolyPhen-2, Align-GVGD) all suggest that this variant is likely to be tolerated. ClinVar contains an entry for this variant (Variation ID: 1519308). This variant has not been reported in the literature in individuals affected with NRXN1-related conditions. This variant is not present in population databases (gnomAD no frequency). This sequence change replaces serine, which is neutral and polar, with arginine, which is basic and polar, at codon 62 of the NRXN1 protein (p.Ser62Arg). In summary, the available evidence is currently insufficient to determine the role of this variant in disease. Therefore, it has been classified as a Variant of Uncertain Significance.